The following is an entry in ClinVar:

ClinVar aggregate classification (germline): Benign/Likely benign. Review status: criteria provided, multiple submitters, no conflicts (2 of 4 stars). 3 submissions from 3 submitters: Benign (1); Likely benign (2). Last evaluated 2025-03-18.

Conditions:
Hereditary cancer-predisposing syndrome. Also called: Hereditary neoplastic syndrome; Tumor predisposition; Neoplastic Syndromes, Hereditary; Hereditary Cancer Syndrome. Identifiers: Orphanet 140162, MedGen C0027672, MeSH D009386, MONDO:0015356.
Familial thoracic aortic aneurysm and aortic dissection (TAAD). Also called: Thoracic aortic aneurysms and dissections. Identifiers: Orphanet 91387, MedGen C4707243, MONDO:0019625.
Juvenile polyposis/hereditary hemorrhagic telangiectasia syndrome (JPHT). Also called: Juvenile Polyposis Syndrome / Hereditary Hemorrhagic Telangiectasia (JPS/HHT); JP/HHT SYNDROME; JUVENILE POLYPOSIS WITH HEREDITARY HEMORRHAGIC TELANGIECTASIA; POLYPOSIS, GENERALIZED JUVENILE, WITH PULMONARY ARTERIOVENOUS MALFORMATION; TELANGIECTASIA, HEREDITARY HEMORRHAGIC, WITH JUVENILE POLYPOSIS COLI. Identifiers: Orphanet 2929, MedGen C1832942, MONDO:0008278, OMIM 175050.

Allele frequency attached by ClinVar (database versions not stated): gnomAD exomes below 0.00001.
gnomAD v4.1: 1 of 1,613,842 alleles (0.000062%); highest among the groups gnomAD compares: Non-Finnish European, 0.000085%; no homozygotes.

Submissions (3):

Myriad Genetics, Inc.
Classification: Benign for Juvenile polyposis/hereditary hemorrhagic telangiectasia syndrome. Last evaluated: 2025-03-18. Review status: criteria provided, single submitter. Criteria: Myriad Autosomal Dominant, Autosomal Recessive and X-Linked Classification Criteria (2023). Collection method: clinical testing. Allele origin: unknown.
Comment: This variant is considered benign. This variant is a silent/synonymous amino acid change and it is not expected to impact splicing.

Ambry Genetics
Classification: Likely benign for Hereditary cancer-predisposing syndrome; Familial thoracic aortic aneurysm and aortic dissection. Last evaluated: 2023-02-15. Review status: criteria provided, single submitter. Criteria: Ambry Variant Classification Scheme 2023. Collection method: clinical testing. Allele origin: germline.

GeneDx
Classification: Likely benign. Last evaluated: 2017-11-06. Review status: criteria provided, single submitter. Criteria: GeneDx Variant Classification (06012015). Collection method: clinical testing. Allele origin: germline. Affected: yes.
Comment: This variant is considered likely benign or benign based on one or more of the following criteria: it is a conservative change, it occurs at a poorly conserved position in the protein, it is predicted to be benign by multiple in silico algorithms, and/or has population frequency not consistent with disease.

NM_005359.6(SMAD4):c.63T>C (p.His21=)

Gene: SMAD4 (SMAD family member 4; plus strand). Cytogenetic location: 18q21.2.
Variant type: single nucleotide variant.
Coding change: c.63T>C on transcript NM_005359.6 (MANE Select); coding-DNA position 63, T replaced by C.
Protein change: p.His21=; no amino-acid change (histidine 21 retained).
Molecular consequence: synonymous variant.
Genome position (GRCh38, 1-based): chr18:51,047,109, T>C. VCF-style: chr18-51047109-T-C. GRCh37 (hg19) VCF-style: chr18-48573479-T-C.
Identifiers: ClinVar variation 513258 (VCV000513258.4), dbSNP rs1555685004, ClinGen allele CA503873420.